The following is an entry in ClinVar:

ClinVar aggregate classification (germline): Uncertain significance. Review status: criteria provided, multiple submitters, no conflicts (2 of 4 stars). 2 submissions from 2 submitters: Uncertain significance (2). Last evaluated 2024-07-31.

Conditions:
Inborn genetic diseases. Identifiers: MedGen C0950123, MeSH D030342.

Allele frequency attached by ClinVar (database versions not stated): gnomAD exomes below 0.00001; ExAC 0.00001; gnomAD 0.00001; TOPMed 0.00001.
gnomAD v4.1: 7 of 1,613,940 alleles (0.00043%); highest among the groups gnomAD compares: Admixed American, 0.0017%; no homozygotes.

Submissions (2):

Labcorp Genetics (formerly Invitae), Labcorp
Classification: Uncertain significance. Last evaluated: 2024-07-31. Review status: criteria provided, single submitter. Criteria: Invitae Variant Classification Sherloc (09022015). Collection method: clinical testing. Allele origin: germline.
Comment: This sequence change replaces histidine, which is basic and polar, with arginine, which is basic and polar, at codon 718 of the HSPG2 protein (p.His718Arg). This variant is present in population databases (rs752335867, gnomAD 0.0009%). This variant has not been reported in the literature in individuals affected with HSPG2-related conditions. ClinVar contains an entry for this variant (Variation ID: 1907772). An algorithm developed to predict the effect of missense changes on protein structure and function (PolyPhen-2) suggests that this variant¬†is likely to be tolerated. In summary, the available evidence is currently insufficient to determine the role of this variant in disease. Therefore, it has been classified as a Variant of Uncertain Significance.

Ambry Genetics
Classification: Uncertain significance for Inborn genetic diseases. Last evaluated: 2021-06-11. Review status: criteria provided, single submitter. Criteria: Ambry Variant Classification Scheme 2023. Collection method: clinical testing. Allele origin: germline.

NM_005529.7(HSPG2):c.2153A>G (p.His718Arg)

Gene: HSPG2 (heparan sulfate proteoglycan 2; minus strand). Cytogenetic location: 1p36.12.
Variant type: single nucleotide variant.
Coding change: c.2153A>G on transcript NM_005529.7 (MANE Select); coding-DNA position 2153, A replaced by G.
Protein change: p.His718Arg; replaces histidine 718 with arginine.
Molecular consequence: missense variant.
Genome position (GRCh38, 1-based): chr1:21,880,405, T>C on the plus strand (A>G on the coding strand, the complement: HSPG2 is on the minus strand). VCF-style: chr1-21880405-T-C. GRCh37 (hg19) VCF-style: chr1-22206898-T-C.
Other names: c.2156A>G, p.His719Arg (NM_001291860.2); short protein forms H718R, H719R.
Identifiers: ClinVar variation 1907772 (VCV001907772.5), dbSNP rs752335867, ClinGen allele CA673176.